The following is an entry in ClinVar:

ClinVar aggregate classification (germline): Pathogenic (1 of 4 stars; one submission).

Conditions:
Hereditary nonpolyposis colorectal neoplasms. Identifiers: MedGen C0009405, MeSH D003123.

Submission:

Labcorp Genetics (formerly Invitae), Labcorp
Classification: Pathogenic for Hereditary nonpolyposis colorectal neoplasms. Last evaluated: 2021-10-02. Review status: criteria provided, single submitter. Criteria: Invitae Variant Classification Sherloc (09022015). Collection method: clinical testing. Allele origin: germline.
Comment: For these reasons, this variant has been classified as Pathogenic. This premature translational stop signal has been observed in individual(s) with clinical features of Lynch syndrome (PMID: 17117178). This variant is not present in population databases (ExAC no frequency). This sequence change creates a premature translational stop signal (p.Lys1092*) in the MSH6 gene. It is expected to result in an absent or disrupted protein product. Loss-of-function variants in MSH6 are known to be pathogenic (PMID: 18269114, 24362816).

Literature cited by the submitters: PubMed 17117178; PubMed 18269114; PubMed 24362816.

NM_000179.3(MSH6):c.3266_3273dup (p.Lys1092Ter)

Gene: MSH6 (mutS homolog 6; plus strand). Cytogenetic location: 2p16.3.
Variant type: Duplication.
Coding change: c.3266_3273dup on transcript NM_000179.3 (MANE Select); coding-DNA positions 3266 to 3273, 8 bases duplicated (TAGAGCTT; older notation c.3266_3273dupTAGAGCTT).
Protein change: p.Lys1092Ter; replaces lysine 1092 with a stop codon.
Molecular consequence: nonsense.
Genome position (GRCh38, 1-based): chr2:47,803,513-47,803,520, TAGAGCTT duplicated; duplicating any 8 consecutive bases within chr2:47,803,512-47,803,520 gives the same sequence; the c. name uses the placement nearest the transcript's 3' end. VCF-style (leftmost placement, unchanged base first): chr2-47803511-C-CTTAGAGCT. GRCh37 (hg19) VCF-style: chr2-48030650-C-CTTAGAGCT.
Other names: c.2876_2883dup, p.Lys962Ter (NM_001281492.2); c.2360_2367dup, p.Lys790Ter (NM_001281493.2, NM_001281494.2); short protein forms K1092*, K790*, K962*.
Identifiers: ClinVar variation 1456253 (VCV001456253.6), dbSNP rs2104476971, ClinGen allele CA2573134724.
Genomic context (GRCh38, chr2:47,803,511, plus strand): 5'-AGGGGGTGATGGTCCTATGTGTCGCCCAGTAATTCTGTTGCCGGAAGATACCCCCCCCTT[C>CTTAGAGCT]TTAGAGCTTAAAGGATCACGCCATCCTTGCATTACGAAGACTTTTTTTGGAGATGATTTT-3'